The following is an entry in ClinVar:

NM_032608.7(MYO18B):c.530del (p.Pro177fs)

Gene: MYO18B (myosin XVIIIB; plus strand). Cytogenetic location: 22q12.1.
Variant type: Deletion.
Coding change: c.530del on transcript NM_032608.7 (MANE Select); coding-DNA position 530, one base deleted (C; older notation c.530delC).
Protein change: p.Pro177fs; shifts the reading frame from proline 177.
Molecular consequence: frameshift variant.
Genome position (GRCh38, 1-based): chr22:25,768,446, C deleted; the last of 7 consecutive C bases (chr22:25,768,440-25,768,446); deleting any one gives the same sequence. VCF-style (leftmost placement, unchanged base first): chr22-25768439-GC-G. GRCh37 (hg19) VCF-style: chr22-26164406-GC-G.
Other names: c.530delC (NM_032608.6); c.530del, p.Pro177fs (NM_001318245.2); short protein forms P177fs.
Identifiers: ClinVar variation 1520360 (VCV001520360.6), dbSNP rs748007891, ClinGen allele CA322778862.
Genomic context (GRCh38, chr22:25,768,439, plus strand): 5'-TTGATGGTGGCCAAGCTGGACCCGGACTCAGCCAAGCCAGAGAAGACTCATCCCCATGAC[GC>G]CCCCCCTTGCAAGACCTCTCCCCCCGCCACAGATACTGGAAAGGAAAAGAAAGGGGAGAC-3'

ClinVar aggregate classification (germline): Pathogenic/Likely pathogenic. Review status: criteria provided, multiple submitters, no conflicts (2 of 4 stars). 2 submissions from 2 submitters: Pathogenic (1); Likely pathogenic (1). Last evaluated 2023-06-28.

Conditions:
MYO18B-related disorder. Also called: MYO18B-related condition.

Submissions (2):

PreventionGenetics, part of Exact Sciences
Classification: Likely pathogenic for MYO18B-related condition. Last evaluated: 2023-06-28. Review status: criteria provided, single submitter. Criteria: ACMG Guidelines, 2015. Collection method: clinical testing. Allele origin: germline.
Comment: The MYO18B c.530delC variant is predicted to result in a frameshift and premature protein termination (p.Pro177Leufs*55). To our knowledge, this variant has not been reported in the literature. This variant is reported in 0.0060% of alleles in individuals of Latino descent in gnomAD. Frameshift variants in MYO18B are expected to be pathogenic. This variant is interpreted as likely pathogenic.

Labcorp Genetics (formerly Invitae), Labcorp
Classification: Pathogenic. Last evaluated: 2022-09-19. Review status: criteria provided, single submitter. Criteria: Invitae Variant Classification Sherloc (09022015). Collection method: clinical testing. Allele origin: germline.
Comment: ClinVar contains an entry for this variant (Variation ID: 1520360). For these reasons, this variant has been classified as Pathogenic. This variant has not been reported in the literature in individuals affected with MYO18B-related conditions. This sequence change creates a premature translational stop signal (p.Pro177Leufs*55) in the MYO18B gene. It is expected to result in an absent or disrupted protein product. Loss-of-function variants in MYO18B are known to be pathogenic (PMID: 25748484, 32184166, 32637634). The frequency data for this variant in the population databases is considered unreliable, as metrics indicate poor data quality at this position in the gnomAD database.

Literature cited by the submitters: PubMed 25748484 (cited by Labcorp Genetics (formerly Invitae), Labcorp); PubMed 32184166 (cited by Labcorp Genetics (formerly Invitae), Labcorp); PubMed 32637634 (cited by Labcorp Genetics (formerly Invitae), Labcorp).